The following is an entry in ClinVar:

ClinVar aggregate classification (germline): Uncertain significance. Review status: criteria provided, multiple submitters, no conflicts (2 of 4 stars). 2 submissions from 2 submitters: Uncertain significance (2). Last evaluated 2025-10-13.

Conditions:
Familial thoracic aortic aneurysm and aortic dissection (TAAD). Also called: Thoracic aortic aneurysms and dissections. Identifiers: Orphanet 91387, MedGen C4707243, MONDO:0019625.
Marfan syndrome (MFS). Also called: MARFAN SYNDROME, TYPE I; Marfan syndrome type 1; Marfan's syndrome; Marfan syndrome, classic; FBN1-Related Marfan Syndrome. Identifiers: Orphanet 284963, Orphanet 558, MedGen C0024796, MONDO:0007947, OMIM 154700.

Allele frequency attached by ClinVar (database versions not stated): gnomAD exomes below 0.00001.
gnomAD v4.1: 1 of 1,613,724 alleles (0.000062%); highest among the groups gnomAD compares: Non-Finnish European, 0.000085%; no homozygotes.

Submissions (2):

Color Diagnostics, LLC DBA Color Health
Classification: Uncertain significance for Familial thoracic aortic aneurysm and aortic dissection. Last evaluated: 2025-10-13. Review status: criteria provided, single submitter. Criteria: ACMG Guidelines, 2015. Collection method: clinical testing. Allele origin: germline.
Comment: This missense variant replaces isoleucine with valine at codon 1029 of the FBN1 protein. Computational prediction suggests that this variant may not impact protein structure and function. To our knowledge, functional studies have not been reported for this variant. This variant has not been reported in individuals affected with FBN1-related disorders in the literature. This variant has not been identified in the general population by the Genome Aggregation Database (gnomAD). The available evidence is insufficient to determine the role of this variant in disease conclusively. Therefore, this variant is classified as a Variant of Uncertain Significance.

All of Us Research Program, National Institutes of Health
Classification: Uncertain significance for Marfan syndrome. Last evaluated: 2023-08-28. Review status: criteria provided, single submitter. Criteria: ACMG Guidelines, 2015. Collection method: clinical testing. Allele origin: germline. Inheritance: Autosomal dominant inheritance. Observed: 1 variant allele, 1 heterozygote.
Comment: This missense variant replaces isoleucine with valine at codon 1029 of the FBN1 protein. Computational prediction suggests that this variant may not impact protein structure and function (internally defined REVEL score threshold <= 0.5, PMID: 27666373). To our knowledge, functional studies have not been reported for this variant. This variant has not been reported in individuals affected with FBN1-related disorders in the literature. This variant has not been identified in the general population by the Genome Aggregation Database (gnomAD). The available evidence is insufficient to determine the role of this variant in disease conclusively. Therefore, this variant is classified as a Variant of Uncertain Significance.

This study involves interpretation of variants in research participants for the purpose of population health screening. Participant phenotype was not available at the time of variant classification. Additional details can be found in publication PMID: 35346344, PMCID: PMC8962531

NM_000138.5(FBN1):c.3085A>G (p.Ile1029Val)

Gene: FBN1 (fibrillin 1; minus strand). Cytogenetic location: 15q21.1.
Variant type: single nucleotide variant.
Coding change: c.3085A>G on transcript NM_000138.5 (MANE Select); coding-DNA position 3085, A replaced by G.
Protein change: p.Ile1029Val; replaces isoleucine 1029 with valine.
Molecular consequence: missense variant.
Genome position (GRCh38, 1-based): chr15:48,488,491, T>C on the plus strand (A>G on the coding strand, the complement: FBN1 is on the minus strand). VCF-style: chr15-48488491-T-C. GRCh37 (hg19) VCF-style: chr15-48780688-T-C.
Other names: c.3085A>G, p.Ile1029Val (NM_001406716.1); short protein forms I1029V.
Identifiers: ClinVar variation 3073231 (VCV003073231.2), dbSNP rs751214646, ClinGen allele CA269532530.